The following is an entry in ClinVar:

NM_015909.4(NBAS):c.6977A>G (p.Asp2326Gly)

Gene: NBAS (NBAS subunit of NRZ tethering complex; minus strand). Cytogenetic location: 2p24.3.
Variant type: single nucleotide variant.
Coding change: c.6977A>G on transcript NM_015909.4 (MANE Select); coding-DNA position 6977, A replaced by G.
Protein change: p.Asp2326Gly; replaces aspartic acid 2326 with glycine.
Molecular consequence: missense variant. On other transcripts: non-coding transcript variant (1).
Genome position (GRCh38, 1-based): chr2:15,167,187, T>C on the plus strand (A>G on the coding strand, the complement: NBAS is on the minus strand). VCF-style: chr2-15167187-T-C. GRCh37 (hg19) VCF-style: chr2-15307311-T-C.
Other names: c.6977A>G (NM_015909.2); short protein forms D2326G.
Identifiers: ClinVar variation 1996733 (VCV001996733.5), dbSNP rs753985619, ClinGen allele CA1534806.
Genomic context (GRCh38, chr2:15,167,187, plus strand): 5'-AGAGACCCGGCTTCGGCTTCATGGCCGGCCTCCCGCAGGTGTCTGCCCAGCTCCTCTGCA[T>C]CCCAGCGCCCTTGCTGGAGGCTAGCCAAGAGGTGGTCAACAATACGTGGATAGAAGGGAG-3'
Protein context (NP_056993.2, residues 2316-2336): LLASLQQGRW[Asp2326Gly]AEELGRHLRE

ClinVar aggregate classification (germline): Uncertain significance. Review status: criteria provided, multiple submitters, no conflicts (2 of 4 stars). 2 submissions from 2 submitters: Uncertain significance (2). Last evaluated 2025-05-01.

Conditions:
Inborn genetic diseases. Identifiers: MedGen C0950123, MeSH D030342.

Allele frequency attached by ClinVar (database versions not stated): gnomAD exomes below 0.00001; ExAC 0.00001.
gnomAD v4.1: 2 of 1,614,202 alleles (0.00012%); highest among the groups gnomAD compares: South Asian, 0.0022%; no homozygotes.

Submissions (2):

Ambry Genetics
Classification: Uncertain significance for Inborn genetic diseases. Last evaluated: 2025-05-01. Review status: criteria provided, single submitter. Criteria: Ambry Variant Classification Scheme 2023. Collection method: clinical testing. Allele origin: germline.

Labcorp Genetics (formerly Invitae), Labcorp
Classification: Uncertain significance. Last evaluated: 2024-03-14. Review status: criteria provided, single submitter. Criteria: Invitae Variant Classification Sherloc (09022015). Collection method: clinical testing. Allele origin: germline.
Comment: This sequence change replaces aspartic acid, which is acidic and polar, with glycine, which is neutral and non-polar, at codon 2326 of the NBAS protein (p.Asp2326Gly). This variant is present in population databases (rs753985619, gnomAD 0.003%). This variant has not been reported in the literature in individuals affected with NBAS-related conditions. ClinVar contains an entry for this variant (Variation ID: 1996733). Advanced modeling of protein sequence and biophysical properties (such as structural, functional, and spatial information, amino acid conservation, physicochemical variation, residue mobility, and thermodynamic stability) has been performed at Invitae for this missense variant, however the output from this modeling did not meet the statistical confidence thresholds required to predict the impact of this variant on NBAS protein function. In summary, the available evidence is currently insufficient to determine the role of this variant in disease. Therefore, it has been classified as a Variant of Uncertain Significance.